The following is an entry in ClinVar:

ClinVar aggregate classification (germline): Conflicting classifications of pathogenicity. Review status: criteria provided, conflicting classifications (1 of 4 stars). 3 submissions from 3 submitters: Uncertain significance (1); Likely benign (1). 1 of the submissions does not count toward it. Last evaluated 2025-02-27.

Conditions:
ATM-related disorder. Also called: ATM-related disorders; ATM-related condition.
Ataxia-telangiectasia syndrome (AT). Also called: Cerebello-oculocutaneous telangiectasia; Immunodeficiency with ataxia telangiectasia; LOUIS-BAR SYNDROME; ATAXIA-TELANGIECTASIA, COMPLEMENTATION GROUP A; ATAXIA-TELANGIECTASIA, FRESNO VARIANT; Ataxia-telangiectasia, complementation group D. Identifiers: Orphanet 100, MedGen C0004135, MONDO:0008840, OMIM 208900.
Hereditary cancer-predisposing syndrome. Also called: Tumor predisposition; Hereditary neoplastic syndrome; Neoplastic Syndromes, Hereditary; Hereditary Cancer Syndrome. Identifiers: Orphanet 140162, MedGen C0027672, MeSH D009386, MONDO:0015356.

Allele frequency attached by ClinVar (database versions not stated): gnomAD exomes below 0.00001; gnomAD 0.00001.
gnomAD v4.1: 2 of 1,614,020 alleles (0.00012%); highest among the groups gnomAD compares: Non-Finnish European, 0.00017%; no homozygotes.

Submissions (3):

Ambry Genetics
Classification: Likely benign for Hereditary cancer-predisposing syndrome. Last evaluated: 2025-02-27. Review status: criteria provided, single submitter. Criteria: Ambry Variant Classification Scheme 2023. Collection method: clinical testing. Allele origin: germline.

Labcorp Genetics (formerly Invitae), Labcorp
Classification: Uncertain significance for Ataxia-telangiectasia syndrome. Last evaluated: 2021-03-17. Review status: criteria provided, single submitter. Criteria: Invitae Variant Classification Sherloc (09022015). Collection method: clinical testing. Allele origin: germline.
Comment: This sequence change replaces isoleucine with methionine at codon 671 of the ATM protein (p.Ile671Met). The isoleucine residue is weakly conserved and there is a small physicochemical difference between isoleucine and methionine. In summary, the available evidence is currently insufficient to determine the role of this variant in disease. Therefore, it has been classified as a Variant of Uncertain Significance. Algorithms developed to predict the effect of sequence changes on RNA splicing suggest that this variant may create or strengthen a splice site, but this prediction has not been confirmed by published transcriptional studies. Advanced modeling of protein sequence and biophysical properties (such as structural, functional, and spatial information, amino acid conservation, physicochemical variation, residue mobility, and thermodynamic stability) performed at Invitae indicates that this missense variant is not expected to disrupt ATM protein function. This variant has not been reported in the literature in individuals with ATM-related conditions. This variant is not present in population databases (ExAC no frequency).

PreventionGenetics, part of Exact Sciences
Classification: Uncertain significance for ATM-related condition. Last evaluated: 2024-04-17. Review status: no assertion criteria provided. Collection method: clinical testing. Allele origin: germline. Not counted in ClinVar's aggregate classification.
Comment: The ATM c.2013A>G variant is predicted to result in the amino acid substitution p.Ile671Met. To our knowledge, this variant has not been reported in the literature or in a large population database, indicating this variant is rare. At this time, the clinical significance of this variant is uncertain due to the absence of conclusive functional and genetic evidence.

NM_000051.4(ATM):c.2013A>G (p.Ile671Met)

Gene: ATM (ATM serine/threonine kinase; plus strand). Cytogenetic location: 11q22.3.
Variant type: single nucleotide variant.
Coding change: c.2013A>G on transcript NM_000051.4 (MANE Select); coding-DNA position 2013, A replaced by G.
Protein change: p.Ile671Met; replaces isoleucine 671 with methionine.
Molecular consequence: missense variant.
Genome position (GRCh38, 1-based): chr11:108,253,928, A>G. VCF-style: chr11-108253928-A-G. GRCh37 (hg19) VCF-style: chr11-108124655-A-G.
Other names: c.2013A>G (NM_000051.3); c.2013A>G, p.Ile671Met (NM_001351834.2); short protein forms I671M.
Identifiers: ClinVar variation 1379534 (VCV001379534.10), dbSNP rs1371341017, ClinGen allele CA382537090.
Genomic context (GRCh38, chr11:108,253,928, plus strand): 5'-ATTTCTTCAGACAACTTTTGACAAGATGGACTTTTTAACCATTGTGAGAGAATGTGGTAT[A>G]GAAAAGCACCAGTCCAGTATTGGCTTCTCTGTCCACCAGAATCTCAAGGAATCACTGGAT-3'
Protein context (NP_000042.3, residues 661-681): DFLTIVRECG[Ile671Met]EKHQSSIGFS